The following is an entry in ClinVar:

NM_000237.3(LPL):c.557G>A (p.Gly186Glu)

Gene: LPL (lipoprotein lipase; plus strand). Cytogenetic location: 8p21.3.
Variant type: single nucleotide variant.
Coding change: c.557G>A on transcript NM_000237.3 (MANE Select); coding-DNA position 557, G replaced by A.
Protein change: p.Gly186Glu; replaces glycine 186 with glutamic acid.
Molecular consequence: missense variant.
Genome position (GRCh38, 1-based): chr8:19,954,135, G>A. VCF-style: chr8-19954135-G-A. GRCh37 (hg19) VCF-style: chr8-19811646-G-A.
Other names: c.557G>A (NM_000237.2); short protein forms G186E.
Identifiers: ClinVar variation 2735126 (VCV002735126.5), dbSNP rs2540105673, ClinGen allele CA370468286.

ClinVar aggregate classification (germline): Pathogenic/Likely pathogenic. Review status: criteria provided, multiple submitters, no conflicts (2 of 4 stars). 3 submissions from 3 submitters: Pathogenic (1); Likely pathogenic (2). Last evaluated 2025-09-22.

Conditions:
LPL-related disorder. Also called: LPL-related condition.
Hyperlipoproteinemia, type I. Also called: Familial hyperlipo-proteinemia type 1; Hyperlipemia essential familial; Lipase D deficiency; Familial Lipoprotein Lipase Deficiency; HYPERLIPOPROTEINEMIA, TYPE IA; LPL DEFICIENCY. Identifiers: Orphanet 309015, Orphanet 444490, MedGen C0023817, MONDO:0009387, OMIM 238600. Disease mechanism: loss of function.

Allele frequency attached by ClinVar (database versions not stated): gnomAD exomes below 0.00001.

Submissions (3):

Natera, Inc.
Classification: Likely pathogenic for Lipoprotein lipase deficiency. Last evaluated: 2025-09-22. Review status: criteria provided, single submitter. Criteria: Natera Variant Classification Schema (03/2026). Collection method: clinical testing. Allele origin: germline.
Comment: The c.557G>A variant in LPL is a missense variant predicted to cause substitution of glycine to glutamic acid at amino acid 186. This variant is rare in the general population with a frequency below the threshold expected for the associated phenotype(s). This variant has been observed in one or more individuals affected with the associated recessive disease, as either homozygous or compound heterozygous with a second variant (PMID: 15877202). This variant has been identified in one or more affected individual with a phenotype highly consistent with the associated gene (PMID: 36689289). Computational prediction algorithms indicate this variant is likely to affect gene or protein function. Given the available evidence, this variant is classified as Likely Pathogenic.

Blueprint Genetics
Classification: Pathogenic for LPL-related disorders. Last evaluated: 2024-05-24. Review status: criteria provided, single submitter. Criteria: ACMG Guidelines, 2015. Collection method: clinical testing. Allele origin: germline. Affected: yes. Observed: 1 variant allele.

Labcorp Genetics (formerly Invitae), Labcorp
Classification: Likely pathogenic. Last evaluated: 2024-01-09. Review status: criteria provided, single submitter. Criteria: Invitae Variant Classification Sherloc (09022015). Collection method: clinical testing. Allele origin: germline.
Comment: This sequence change replaces glycine, which is neutral and non-polar, with glutamic acid, which is acidic and polar, at codon 186 of the LPL protein (p.Gly186Glu). This variant is not present in population databases (gnomAD no frequency). This missense change has been observed in individual(s) with LPL-related conditions (PMID: 15877202, 19295657, 34828789). In at least one individual the data is consistent with being in trans (on the opposite chromosome) from a pathogenic variant. This variant is also known as p.G159E. Advanced modeling of protein sequence and biophysical properties (such as structural, functional, and spatial information, amino acid conservation, physicochemical variation, residue mobility, and thermodynamic stability) has been performed at Invitae for this missense variant, however the output from this modeling did not meet the statistical confidence thresholds required to predict the impact of this variant on LPL protein function. In summary, the currently available evidence indicates that the variant is pathogenic, but additional data are needed to prove that conclusively. Therefore, this variant has been classified as Likely Pathogenic.

Literature cited by the submitters: PubMed 15877202 (cited by Natera, Inc. and Labcorp Genetics (formerly Invitae), Labcorp); PubMed 36689289 (cited by Natera, Inc.); PubMed 19295657 (cited by Labcorp Genetics (formerly Invitae), Labcorp); PubMed 34828789 (cited by Labcorp Genetics (formerly Invitae), Labcorp).